The following is an entry in ClinVar:

ClinVar aggregate classification (germline): Uncertain significance (1 of 4 stars; one submission).

Conditions:
Baller-Gerold syndrome (BGS). Also called: CRANIOSYNOSTOSIS WITH RADIAL DEFECTS. Identifiers: Orphanet 1225, MedGen C0265308, MONDO:0009039, OMIM 218600.

Allele frequency attached by ClinVar (database versions not stated): gnomAD 0.00001.
gnomAD v4.1: 1 of 1,608,602 alleles (0.000062%); highest among the groups gnomAD compares: East Asian, 0.0022%; no homozygotes.

Submission:

Labcorp Genetics (formerly Invitae), Labcorp
Classification: Uncertain significance for Baller-Gerold syndrome. Last evaluated: 2021-03-10. Review status: criteria provided, single submitter. Criteria: Invitae Variant Classification Sherloc (09022015). Collection method: clinical testing. Allele origin: germline.
Comment: This variant has not been reported in the literature in individuals with RECQL4-related conditions. This sequence change replaces glycine with aspartic acid at codon 213 of the RECQL4 protein (p.Gly213Asp). The glycine residue is moderately conserved and there is a moderate physicochemical difference between glycine and aspartic acid. This variant is not present in population databases (ExAC no frequency). Experimental studies and prediction algorithms are not available or were not evaluated, and the functional significance of this variant is currently unknown. In summary, the available evidence is currently insufficient to determine the role of this variant in disease. Therefore, it has been classified as a Variant of Uncertain Significance.

NM_004260.4(RECQL4):c.638G>A (p.Gly213Asp)

Gene: RECQL4 (RecQ like helicase 4; minus strand). Cytogenetic location: 8q24.3.
Variant type: single nucleotide variant.
Coding change: c.638G>A on transcript NM_004260.4 (MANE Select); coding-DNA position 638, G replaced by A.
Protein change: p.Gly213Asp; replaces glycine 213 with aspartic acid.
Molecular consequence: missense variant.
Genome position (GRCh38, 1-based): chr8:144,516,481, C>T on the plus strand (G>A on the coding strand, the complement: RECQL4 is on the minus strand). VCF-style: chr8-144516481-C-T. GRCh37 (hg19) VCF-style: chr8-145741865-C-T.
Other names: short protein forms G213D.
Identifiers: ClinVar variation 1377087 (VCV001377087.6), dbSNP rs1483707476, ClinGen allele CA372689969.